The following is an entry in ClinVar:

NM_002206.3(ITGA7):c.1071delinsAT (p.Tyr358fs)

Gene: ITGA7 (integrin subunit alpha 7; minus strand). Cytogenetic location: 12q13.2.
Variant type: Indel.
Coding change: c.1071delinsAT on transcript NM_002206.3 (MANE Select); coding-DNA position 1071, G replaced by AT.
Protein change: p.Tyr358fs; shifts the reading frame from tyrosine 358.
Molecular consequence: frameshift variant. On other transcripts: 5 prime UTR variant (1).
Genome position (GRCh38, 1-based): chr12:55,698,504, C replaced by AT on the plus strand (G replaced by AT on the coding strand, the reverse complement: ITGA7 is on the minus strand). VCF-style: chr12-55698504-C-AT. GRCh37 (hg19) VCF-style: chr12-56092288-C-AT.
Other names: c.1083delinsAT, p.Tyr362fs (NM_001144996.2); c.792delGinsAT, p.Tyr265Leufs (NM_001144997.2); c.744delinsAT, p.Tyr249fs (NM_001367993.1); c.-222delinsAT (NM_001367994.1); c.1071delinsAT, p.Tyr358fs (NM_001374465.1); c.1203delGinsAT, p.Tyr402Leufs (NM_001410977.1); c.1083delGinsAT, p.Tyr362Leufs (NM_001414029.1); c.951delGinsAT, p.Tyr318Leufs (NM_001414032.1); and 3 more; short protein forms Y249fs, Y265fs, Y358fs, Y362fs.
Identifiers: ClinVar variation 4992134 (VCV004992134.1), dbSNP rs2136033955.

ClinVar aggregate classification (germline): Likely pathogenic (1 of 4 stars; one submission).

Conditions:
ITGA7-related disorder. Also called: ITGA7-related condition.

Submission:

PreventionGenetics, part of Exact Sciences
Classification: Likely pathogenic for ITGA7-related condition. Last evaluated: 2026-08-14. Review status: criteria provided, single submitter. Criteria: ACMG Guidelines, 2015. Collection method: clinical testing. Allele origin: germline.
Comment: The ITGA7 c.1071delinsAT variant is predicted to result in a frameshift and premature protein termination (p.Tyr358Leufs*21). To our knowledge, this variant has not been reported in the literature or in a large population database (gnomAD), indicating this variant is rare. Frameshift variants in ITGA7 are expected to be pathogenic. This variant is interpreted as likely pathogenic.